The following is an entry in ClinVar:

ClinVar aggregate classification (germline): Uncertain significance (1 of 4 stars; one submission).

gnomAD v4.1: 1 of 1,614,214 alleles (0.000062%); highest among the groups gnomAD compares: Non-Finnish European, 0.000085%; no homozygotes.

Submission:

Labcorp Genetics (formerly Invitae), Labcorp
Classification: Uncertain significance. Last evaluated: 2025-09-13. Review status: criteria provided, single submitter. Criteria: Invitae Variant Classification Sherloc (09022015). Collection method: clinical testing. Allele origin: germline.
Comment: This sequence change replaces alanine, which is neutral and non-polar, with valine, which is neutral and non-polar, at codon 414 of the ERBB2 protein (p.Ala414Val). This variant is not present in population databases (gnomAD no frequency). This variant has not been reported in the literature in individuals affected with ERBB2-related conditions. Invitae Evidence Modeling of protein sequence and biophysical properties (such as structural, functional, and spatial information, amino acid conservation, physicochemical variation, residue mobility, and thermodynamic stability) indicates that this missense variant is not expected to disrupt ERBB2 protein function with a negative predictive value of 80%. In summary, the available evidence is currently insufficient to determine the role of this variant in disease. Therefore, it has been classified as a Variant of Uncertain Significance.

NM_004448.4(ERBB2):c.1241C>T (p.Ala414Val)

Gene: ERBB2 (erb-b2 receptor tyrosine kinase 2; plus strand). Cytogenetic location: 17q12.
Variant type: single nucleotide variant.
Coding change: c.1241C>T on transcript NM_004448.4 (MANE Select); coding-DNA position 1241, C replaced by T.
Protein change: p.Ala414Val; replaces alanine 414 with valine.
Molecular consequence: missense variant. On other transcripts: non-coding transcript variant (1), intron variant (1).
Genome position (GRCh38, 1-based): chr17:39,715,464, C>T. VCF-style: chr17-39715464-C-T. GRCh37 (hg19) VCF-style: chr17-37871717-C-T.
Other names: c.1151C>T, p.Ala384Val (NM_001005862.3, NM_001289938.2, NM_001382782.1 and 1 more transcripts); c.1196C>T, p.Ala399Val (NM_001289936.2); c.1241C>T, p.Ala414Val (NM_001289937.2, NM_001382785.1, NM_001382788.1 and 13 more transcripts); c.1358C>T, p.Ala453Val (NM_001382784.1, NM_001382786.1); c.1316C>T, p.Ala439Val (NM_001382787.1); c.1232C>T, p.Ala411Val (NM_001382791.1); c.1061C>T, p.Ala354Val (NM_001382799.1); c.983C>T, p.Ala328Val (NM_001382802.1); and 2 more; short protein forms A328V, A414V, A439V, A453V, A354V, A399V, A384V, A411V.
Identifiers: ClinVar variation 4750099 (VCV004750099.1).